The following is an entry in ClinVar:

NM_002439.5(MSH3):c.2571T>G (p.Ile857Met)

Gene: MSH3 (mutS homolog 3; plus strand). Cytogenetic location: 5q14.1.
Variant type: single nucleotide variant.
Coding change: c.2571T>G on transcript NM_002439.5 (MANE Select); coding-DNA position 2571, T replaced by G.
Protein change: p.Ile857Met; replaces isoleucine 857 with methionine.
Molecular consequence: missense variant.
Genome position (GRCh38, 1-based): chr5:80,792,760, T>G. VCF-style: chr5-80792760-T-G. GRCh37 (hg19) VCF-style: chr5-80088579-T-G.
Other names: short protein forms I857M.
Identifiers: ClinVar variation 1793255 (VCV001793255.2), dbSNP rs781196482, ClinGen allele CA360272885.
Genomic context (GRCh38, chr5:80,792,760, plus strand): 5'-CCTAGTAAATTGAAACATATTTCTTTTTTGCAGACCAACTGTACAAGAAGAAAGAAAAAT[T>G]GTAATAAAAAATGGAAGGCACCCTGTGATTGATGTGTTGCTGGGAGAACAGGATCAATAT-3'
Protein context (NP_002430.3, residues 847-867): CRPTVQEERK[Ile857Met]VIKNGRHPVI

ClinVar aggregate classification (germline): Uncertain significance (1 of 4 stars; one submission).

Conditions:
Hereditary cancer-predisposing syndrome. Also called: Tumor predisposition; Hereditary Cancer Syndrome; Neoplastic Syndromes, Hereditary; Hereditary neoplastic syndrome. Identifiers: Orphanet 140162, MedGen C0027672, MeSH D009386, MONDO:0015356.

Submission:

Ambry Genetics
Classification: Uncertain significance for Hereditary cancer-predisposing syndrome. Last evaluated: 2022-01-26. Review status: criteria provided, single submitter. Criteria: Ambry Variant Classification Scheme 2023. Collection method: clinical testing. Allele origin: germline.
Comment: The p.I857M variant (also known as c.2571T>G), located in coding exon 19 of the MSH3 gene, results from a T to G substitution at nucleotide position 2571. The isoleucine at codon 857 is replaced by methionine, an amino acid with highly similar properties. This amino acid position is conserved. In addition, the in silico prediction for this alteration is inconclusive. Since supporting evidence is limited at this time, the clinical significance of this alteration remains unclear.